The following is an entry in ClinVar:

ClinVar aggregate classification (germline): Uncertain significance (1 of 4 stars; one submission).

Submission:

Labcorp Genetics (formerly Invitae), Labcorp
Classification: Uncertain significance. Last evaluated: 2022-05-01. Review status: criteria provided, single submitter. Criteria: Invitae Variant Classification Sherloc (09022015). Collection method: clinical testing. Allele origin: germline.
Comment: In summary, the available evidence is currently insufficient to determine the role of this variant in disease. Therefore, it has been classified as a Variant of Uncertain Significance. Algorithms developed to predict the effect of missense changes on protein structure and function (SIFT, PolyPhen-2, Align-GVGD) all suggest that this variant is likely to be tolerated. This variant has not been reported in the literature in individuals affected with NUP205-related conditions. This variant is not present in population databases (gnomAD no frequency). This sequence change replaces valine, which is neutral and non-polar, with isoleucine, which is neutral and non-polar, at codon 2000 of the NUP205 protein (p.Val2000Ile).

NM_015135.3(NUP205):c.5998G>A (p.Val2000Ile)

Gene: NUP205 (nucleoporin 205; plus strand). Cytogenetic location: 7q33.
Variant type: single nucleotide variant.
Coding change: c.5998G>A on transcript NM_015135.3 (MANE Select); coding-DNA position 5998, G replaced by A.
Protein change: p.Val2000Ile; replaces valine 2000 with isoleucine.
Molecular consequence: missense variant.
Genome position (GRCh38, 1-based): chr7:135,648,515, G>A. VCF-style: chr7-135648515-G-A. GRCh37 (hg19) VCF-style: chr7-135333263-G-A.
Other names: c.4924G>A, p.Val1642Ile (NM_001329434.2); short protein forms V1642I, V2000I.
Identifiers: ClinVar variation 2132401 (VCV002132401.4), dbSNP rs2486241628, ClinGen allele CA369366061.